The following is an entry in ClinVar:

ClinVar aggregate classification (germline): Uncertain significance. Review status: criteria provided, multiple submitters, no conflicts (2 of 4 stars). 2 submissions from 2 submitters: Uncertain significance (2). Last evaluated 2025-12-31.

Conditions:
Epidermolysis bullosa dystrophica. Also called: Dystrophic epidermolysis bullosa, Hallopeau-Siemens type (formerly); Dystrophic epidermolysis bullosa. Identifiers: Orphanet 303, MedGen C0079294, MONDO:0006543.

Allele frequency attached by ClinVar (database versions not stated): ExAC 0.00001; gnomAD 0.00001 and 0.00003; gnomAD exomes 0.00001; TOPMed 0.00001.
gnomAD v4.1: 24 of 1,613,430 alleles (0.0015%); highest among the groups gnomAD compares: East Asian, 0.011%; no homozygotes.

Submissions (2):

Labcorp Genetics (formerly Invitae), Labcorp
Classification: Uncertain significance. Last evaluated: 2025-12-31. Review status: criteria provided, single submitter. Criteria: Invitae Variant Classification Sherloc (09022015). Collection method: clinical testing. Allele origin: germline.
Comment: This sequence change replaces arginine, which is basic and polar, with cysteine, which is neutral and slightly polar, at codon 963 of the COL7A1 protein (p.Arg963Cys). This variant is present in population databases (rs773083989, gnomAD 0.002%). This variant has not been reported in the literature in individuals affected with COL7A1-related conditions. ClinVar contains an entry for this variant (Variation ID: 899784). Invitae Evidence Modeling of protein sequence and biophysical properties (such as structural, functional, and spatial information, amino acid conservation, physicochemical variation, residue mobility, and thermodynamic stability) indicates that this missense variant is not expected to disrupt COL7A1 protein function with a negative predictive value of 95%. In summary, the available evidence is currently insufficient to determine the role of this variant in disease. Therefore, it has been classified as a Variant of Uncertain Significance.

Illumina Laboratory Services, Illumina
Classification: Uncertain significance for Dystrophic epidermolysis bullosa. Last evaluated: 2018-01-13. Review status: criteria provided, single submitter. Criteria: ICSL Variant Classification Criteria 13 December 2019. Collection method: clinical testing. Allele origin: germline.

NM_000094.4(COL7A1):c.2887C>T (p.Arg963Cys)

Gene: COL7A1 (collagen type VII alpha 1 chain; minus strand). Cytogenetic location: 3p21.31.
Variant type: single nucleotide variant.
Coding change: c.2887C>T on transcript NM_000094.4 (MANE Select); coding-DNA position 2887, C replaced by T.
Protein change: p.Arg963Cys; replaces arginine 963 with cysteine.
Molecular consequence: missense variant.
Genome position (GRCh38, 1-based): chr3:48,587,525, G>A on the plus strand (C>T on the coding strand, the complement: COL7A1 is on the minus strand). VCF-style: chr3-48587525-G-A. GRCh37 (hg19) VCF-style: chr3-48624958-G-A.
Other names: short protein forms R963C.
Identifiers: ClinVar variation 899784 (VCV000899784.7), dbSNP rs773083989, ClinGen allele CA2380705.